The following is an entry in ClinVar:

NM_015450.3(POT1):c.899A>G (p.Asn300Ser)

Gene: POT1 (protection of telomeres 1; minus strand). Cytogenetic location: 7q31.33.
Variant type: single nucleotide variant.
Coding change: c.899A>G on transcript NM_015450.3 (MANE Select); coding-DNA position 899, A replaced by G.
Protein change: p.Asn300Ser; replaces asparagine 300 with serine.
Molecular consequence: missense variant. On other transcripts: non-coding transcript variant (3).
Genome position (GRCh38, 1-based): chr7:124,851,922, T>C on the plus strand (A>G on the coding strand, the complement: POT1 is on the minus strand). VCF-style: chr7-124851922-T-C. GRCh37 (hg19) VCF-style: chr7-124491976-T-C.
Other names: c.506A>G, p.Asn169Ser (NM_001042594.2); short protein forms N300S, N169S.
Identifiers: ClinVar variation 705530 (VCV000705530.16), dbSNP rs573222502, ClinGen allele CA4465314.

ClinVar aggregate classification (germline): Conflicting classifications of pathogenicity. Review status: criteria provided, conflicting classifications (1 of 4 stars). 6 submissions from 6 submitters: Uncertain significance (3); Likely benign (3). Last evaluated 2026-01-05.

Conditions:
Tumor predisposition syndrome 3 (TPDS3). Also called: Glioma susceptibility 9; LONG TELOMERE SYNDROME, POT1-RELATED; POT1 Tumor Predisposition; Melanoma, cutaneous malignant, susceptibility to, 10. Identifiers: Orphanet 618, MedGen C4014476, MONDO:0014368, OMIM 615848.
Hereditary cancer-predisposing syndrome. Also called: Tumor predisposition; Neoplastic Syndromes, Hereditary; Hereditary neoplastic syndrome; Hereditary Cancer Syndrome. Identifiers: Orphanet 140162, MedGen C0027672, MeSH D009386, MONDO:0015356.

Allele frequency attached by ClinVar (database versions not stated): TOPMed below 0.00001; gnomAD 0.00001 and 0.00003; gnomAD exomes 0.00004 and 0.00011; ExAC 0.00013; 1000 Genomes Project 30x 0.00031; 1000 Genomes Project 0.00040.
gnomAD v4.1: 66 of 1,611,576 alleles (0.0041%); highest among the groups gnomAD compares: South Asian, 0.059%; no homozygotes.

Submissions (6):

Labcorp Genetics (formerly Invitae), Labcorp
Classification: Likely benign for Tumor predisposition syndrome 3. Last evaluated: 2026-01-05. Review status: criteria provided, single submitter. Criteria: Invitae Variant Classification Sherloc (09022015). Collection method: clinical testing. Allele origin: germline.

Center for Genomic Medicine, Rigshospitalet, Copenhagen University Hospital
Classification: Uncertain significance. Last evaluated: 2025-03-04. Review status: criteria provided, single submitter. Criteria: ACMG Guidelines, 2015. Collection method: clinical testing. Allele origin: germline.

Blueprint Genetics
Classification: Likely benign. Last evaluated: 2024-10-28. Review status: criteria provided, single submitter. Criteria: ACMG Guidelines, 2015. Collection method: clinical testing. Allele origin: germline.

GeneDx
Classification: Uncertain significance. Last evaluated: 2023-01-25. Review status: criteria provided, single submitter. Criteria: GeneDx Variant Classification Process June 2021. Collection method: clinical testing. Allele origin: germline. Affected: yes.
Comment: In silico analysis supports that this missense variant does not alter protein structure/function; Has not been previously published as pathogenic or benign to our knowledge

Ambry Genetics
Classification: Likely benign for Hereditary cancer-predisposing syndrome. Last evaluated: 2022-04-12. Review status: criteria provided, single submitter. Criteria: Ambry Variant Classification Scheme 2023. Collection method: clinical testing. Allele origin: germline.

Sema4
Classification: Uncertain significance for Hereditary cancer-predisposing syndrome. Last evaluated: 2021-12-22. Review status: criteria provided, single submitter. Criteria: Sema4 Curation Guidelines. Collection method: curation. Allele origin: germline.
Comment: The POT1 c.899A>G (p.N300S) variant has not been reported in the literature to our knowledge. It was observed in 26/30528 chromosomes of the South Asian subpopulation, with no homozygotes, in the large and broad cohorts of the Genome Aggregation Database (PMID: 32461654). This variant has been reported in ClinVar (Variation ID: 705530). In silico tools suggest the impact of the variant on protein function is benign, though these predictions have not been confirmed by functional studies. There is no indication that this variant causes disease, but the evidence is insufficient currently to prove that conclusively. Thus, the clinical significance of this variant is currently uncertain.